The following is an entry in ClinVar:

ClinVar aggregate classification (germline): Uncertain significance (1 of 4 stars; one submission).

Submission:

Labcorp Genetics (formerly Invitae), Labcorp
Classification: Uncertain significance. Last evaluated: 2022-10-14. Review status: criteria provided, single submitter. Criteria: Invitae Variant Classification Sherloc (09022015). Collection method: clinical testing. Allele origin: germline.
Comment: This sequence change replaces valine, which is neutral and non-polar, with methionine, which is neutral and non-polar, at codon 1170 of the NLRP1 protein (p.Val1170Met). This variant is not present in population databases (gnomAD no frequency). This variant has not been reported in the literature in individuals affected with NLRP1-related conditions. Algorithms developed to predict the effect of missense changes on protein structure and function are either unavailable or do not agree on the potential impact of this missense change (SIFT: "Deleterious"; PolyPhen-2: "Probably Damaging"; Align-GVGD: "Class C0"). In summary, the available evidence is currently insufficient to determine the role of this variant in disease. Therefore, it has been classified as a Variant of Uncertain Significance.

NM_033004.4(NLRP1):c.3508G>A (p.Val1170Met)

Gene: NLRP1 (NLR family pyrin domain containing 1; minus strand). Cytogenetic location: 17p13.2.
Variant type: single nucleotide variant.
Coding change: c.3508G>A on transcript NM_033004.4 (MANE Select); coding-DNA position 3508, G replaced by A.
Protein change: p.Val1170Met; replaces valine 1170 with methionine.
Molecular consequence: missense variant.
Genome position (GRCh38, 1-based): chr17:5,530,493, C>T on the plus strand (G>A on the coding strand, the complement: NLRP1 is on the minus strand). VCF-style: chr17-5530493-C-T. GRCh37 (hg19) VCF-style: chr17-5433813-C-T.
Other names: c.3520G>A, p.Val1174Met (NM_001033053.3); c.3508G>A, p.Val1170Met (NM_014922.5); c.3418G>A, p.Val1140Met (NM_033006.4, NM_033007.4); short protein forms V1140M, V1170M, V1174M.
Identifiers: ClinVar variation 1972119 (VCV001972119.5), dbSNP rs1351532055, ClinGen allele CA397390361.